The following is an entry in ClinVar:

ClinVar aggregate classification (germline): Uncertain significance (1 of 4 stars; one submission).

Conditions:
Aortic valve disease 2 (AOVD2). Identifiers: MedGen C3542024, MONDO:0013902, OMIM 614823.

Submission:

Labcorp Genetics (formerly Invitae), Labcorp
Classification: Uncertain significance for Aortic valve disease 2. Last evaluated: 2023-08-23. Review status: criteria provided, single submitter. Criteria: Invitae Variant Classification Sherloc (09022015). Collection method: clinical testing. Allele origin: germline.
Comment: This sequence change replaces threonine, which is neutral and polar, with isoleucine, which is neutral and non-polar, at codon 161 of the TBX5 protein (p.Thr161Ile). This variant is not present in population databases (gnomAD no frequency). This variant has not been reported in the literature in individuals affected with TBX5-related conditions. Advanced modeling of protein sequence and biophysical properties (such as structural, functional, and spatial information, amino acid conservation, physicochemical variation, residue mobility, and thermodynamic stability) performed at Invitae indicates that this missense variant is not expected to disrupt TBX5 protein function. In summary, the available evidence is currently insufficient to determine the role of this variant in disease. Therefore, it has been classified as a Variant of Uncertain Significance.

NM_181486.4(TBX5):c.482C>T (p.Thr161Ile)

Gene: TBX5 (T-box transcription factor 5; minus strand). Cytogenetic location: 12q24.21.
Variant type: single nucleotide variant.
Coding change: c.482C>T on transcript NM_181486.4 (MANE Select); coding-DNA position 482, C replaced by T.
Protein change: p.Thr161Ile; replaces threonine 161 with isoleucine.
Molecular consequence: missense variant.
Genome position (GRCh38, 1-based): chr12:114,398,601, G>A on the plus strand (C>T on the coding strand, the complement: TBX5 is on the minus strand). VCF-style: chr12-114398601-G-A. GRCh37 (hg19) VCF-style: chr12-114836406-G-A.
Other names: c.482C>T, p.Thr161Ile (NM_000192.3); c.332C>T, p.Thr111Ile (NM_080717.4); short protein forms T161I, T111I.
Identifiers: ClinVar variation 2754742 (VCV002754742.3), dbSNP rs2540471391, ClinGen allele CA386862000.
Genomic context (GRCh38, chr12:114,398,601, plus strand): 5'-ACAAGGCGGGGAATCCAGGCCACGGTACTCACATGCCCAAATGGGTCCAGGTGGTTGTTG[G>A]TGAGCTTGAGTTTCTGGAAGGAGACGAGCTGCCTCATCCAATGCGCCCCGGTGGCGGGGG-3'
Protein context (NP_852259.1, residues 151-171): QLVSFQKLKL[Thr161Ile]NNHLDPFGHI